The following is an entry in ClinVar:

NM_000124.4(ERCC6):c.56A>G (p.Gln19Arg)

Gene: ERCC6 (ERCC excision repair 6, chromatin remodeling factor; minus strand). Cytogenetic location: 10q11.23.
Variant type: single nucleotide variant.
Coding change: c.56A>G on transcript NM_000124.4 (MANE Select); coding-DNA position 56, A replaced by G.
Protein change: p.Gln19Arg; replaces glutamine 19 with arginine.
Molecular consequence: missense variant.
Genome position (GRCh38, 1-based): chr10:49,532,909, T>C on the plus strand (A>G on the coding strand, the complement: ERCC6 is on the minus strand). VCF-style: chr10-49532909-T-C. GRCh37 (hg19) VCF-style: chr10-50740955-T-C.
Other names: p.Gln19Arg; c.56A>G, p.Gln19Arg (NM_001277058.2, NM_001277059.2, NM_001346440.2); short protein forms Q19R.
Identifiers: ClinVar variation 1512336 (VCV001512336.7), dbSNP rs1205705497, ClinGen allele CA376714787.
Genomic context (GRCh38, chr10:49,532,909, plus strand): 5'-CCATCACCACCACTTTCTTGCTTGATTGCCATTTCTTCATTATTACTGACAGGTTGACTC[T>C]GTAAACAGTCTTGCTCCTGAGTTTGACTTGAGTGGGGGATTCCCTCATTTGGCATTCTCT-3'
Protein context (NP_000115.1, residues 9-29): SSQTQEQDCL[Gln19Arg]SQPVSNNEEM

ClinVar aggregate classification (germline): Uncertain significance. Review status: criteria provided, multiple submitters, no conflicts (2 of 4 stars). 2 submissions from 2 submitters: Uncertain significance (2). Last evaluated 2021-10-07.

Allele frequency attached by ClinVar (database versions not stated): gnomAD 0.00001; gnomAD exomes 0.00001; TOPMed 0.00002.
gnomAD v4.1: 16 of 1,614,136 alleles (0.00099%); highest among the groups gnomAD compares: East Asian, 0.018%; no homozygotes.

Submissions (2):

Mayo Clinic Laboratories, Mayo Clinic
Classification: Uncertain significance. Last evaluated: 2021-10-07. Review status: criteria provided, single submitter. Criteria: ACMG Guidelines, 2015. Collection method: clinical testing. Allele origin: germline.

Labcorp Genetics (formerly Invitae), Labcorp
Classification: Uncertain significance. Last evaluated: 2021-08-18. Review status: criteria provided, single submitter. Criteria: Invitae Variant Classification Sherloc (09022015). Collection method: clinical testing. Allele origin: germline.
Comment: This sequence change replaces glutamine with arginine at codon 19 of the ERCC6 protein (p.Gln19Arg). The glutamine residue is moderately conserved and there is a small physicochemical difference between glutamine and arginine. This variant is not present in population databases (ExAC no frequency). This variant has not been reported in the literature in individuals affected with ERCC6-related conditions. Algorithms developed to predict the effect of missense changes on protein structure and function output the following: SIFT: "Tolerated"; PolyPhen-2: "Benign"; Align-GVGD: "Class C0". The arginine amino acid residue is found in multiple mammalian species, which suggests that this missense change does not adversely affect protein function. In summary, the available evidence is currently insufficient to determine the role of this variant in disease. Therefore, it has been classified as a Variant of Uncertain Significance.